The following is an entry in ClinVar:

ClinVar aggregate classification (germline): Uncertain significance (1 of 4 stars; one submission).

Conditions:
Capillary malformation-arteriovenous malformation syndrome. Also called: Capillary malformation-arteriovenous malformation. Identifiers: Orphanet 137667, MedGen C1842180, MONDO:0012016.

Allele frequency attached by ClinVar (database versions not stated): gnomAD 0.00001; TOPMed below 0.00001.
gnomAD v4.1: 1 of 1,609,544 alleles (0.000062%); highest among the groups gnomAD compares: African/African-American, 0.0013%; no homozygotes.

Submission:

Labcorp Genetics (formerly Invitae), Labcorp
Classification: Uncertain significance for Capillary malformation-arteriovenous malformation syndrome. Last evaluated: 2025-07-14. Review status: criteria provided, single submitter. Criteria: Invitae Variant Classification Sherloc (09022015). Collection method: clinical testing. Allele origin: germline.
Comment: This sequence change replaces tyrosine, which is neutral and polar, with asparagine, which is neutral and polar, at codon 436 of the RASA1 protein (p.Tyr436Asn). This variant is not present in population databases (gnomAD no frequency). This variant has not been reported in the literature in individuals affected with RASA1-related conditions. ClinVar contains an entry for this variant (Variation ID: 3019710). An algorithm developed to predict the effect of missense changes on protein structure and function (PolyPhen-2) suggests that this variant is likely to be tolerated. In summary, the available evidence is currently insufficient to determine the role of this variant in disease. Therefore, it has been classified as a Variant of Uncertain Significance.

NM_002890.3(RASA1):c.1306T>A (p.Tyr436Asn)

Genes: CCNH (cyclin H; minus strand), RASA1 (RAS p21 protein activator 1; plus strand). Cytogenetic location: 5q14.3.
Variant type: single nucleotide variant.
Coding change: c.1306T>A on transcript NM_002890.3 (MANE Select); coding-DNA position 1306, T replaced by A.
Protein change: p.Tyr436Asn; replaces tyrosine 436 with asparagine.
Molecular consequence: missense variant. On other transcripts: intron variant (1).
Genome position (GRCh38, 1-based): chr5:87,353,209, T>A. VCF-style: chr5-87353209-T-A. GRCh37 (hg19) VCF-style: chr5-86649026-T-A.
Other names: c.775T>A, p.Tyr259Asn (NM_022650.3); c.934-40414A>T (NM_001364075.2); short protein forms Y436N, Y259N.
Identifiers: ClinVar variation 3019710 (VCV003019710.3), dbSNP rs1239725761, ClinGen allele CA360365175.